The following is an entry in ClinVar:

ClinVar aggregate classification (germline): Uncertain significance (1 of 4 stars; one submission).

Conditions:
Gastrointestinal stromal tumor. Also called: Gastrointestinal stroma tumor; Gastrointestinal stromal tumor, somatic. Identifiers: Orphanet 44890, MedGen C0238198, MeSH D046152, MONDO:0011719, OMIM 606764, HP:0100723.

Allele frequency attached by ClinVar (database versions not stated): gnomAD exomes below 0.00001.
gnomAD v4.1: 1 of 1,613,514 alleles (0.000062%); highest among the groups gnomAD compares: South Asian, 0.0011%; no homozygotes.

Submission:

Labcorp Genetics (formerly Invitae), Labcorp
Classification: Uncertain significance for Gastrointestinal stromal tumor. Last evaluated: 2025-08-11. Review status: criteria provided, single submitter. Criteria: Invitae Variant Classification Sherloc (09022015). Collection method: clinical testing. Allele origin: germline.
Comment: This sequence change replaces glycine, which is neutral and non-polar, with arginine, which is basic and polar, at codon 569 of the PDGFRA protein (p.Gly569Arg). This variant is not present in population databases (gnomAD no frequency). This variant has not been reported in the literature in individuals affected with PDGFRA-related conditions. ClinVar contains an entry for this variant (Variation ID: 1970330). Invitae Evidence Modeling of protein sequence and biophysical properties (such as structural, functional, and spatial information, amino acid conservation, physicochemical variation, residue mobility, and thermodynamic stability) has been performed for this missense variant. However, the output from this modeling did not meet the statistical confidence thresholds required to predict the impact of this variant on PDGFRA protein function. In summary, the available evidence is currently insufficient to determine the role of this variant in disease. Therefore, it has been classified as a Variant of Uncertain Significance.

NM_006206.6(PDGFRA):c.1705G>A (p.Gly569Arg)

Gene: PDGFRA (platelet derived growth factor receptor alpha; plus strand). Cytogenetic location: 4q12.
Variant type: single nucleotide variant.
Coding change: c.1705G>A on transcript NM_006206.6 (MANE Select); coding-DNA position 1705, G replaced by A.
Protein change: p.Gly569Arg; replaces glycine 569 with arginine.
Molecular consequence: missense variant.
Genome position (GRCh38, 1-based): chr4:54,274,892, G>A. VCF-style: chr4-54274892-G-A. GRCh37 (hg19) VCF-style: chr4-55141059-G-A.
Other names: c.1705G>A, p.Gly569Arg (NM_001347827.2, NM_001347829.2); c.1780G>A, p.Gly594Arg (NM_001347828.2); c.1744G>A, p.Gly582Arg (NM_001347830.2); short protein forms G594R, G569R, G582R.
Identifiers: ClinVar variation 1970330 (VCV001970330.5), dbSNP rs2475497379, ClinGen allele CA356893126.